The following is an entry in ClinVar:

ClinVar aggregate classification (germline): Likely benign (0 of 4 stars; one submission).

Conditions:
ALDH18A1-related disorder. Also called: ALDH18A1-related disorders.

Allele frequency attached by ClinVar (database versions not stated): gnomAD exomes below 0.00001; ExAC 0.00001; gnomAD 0.00001.
gnomAD v4.1: 7 of 1,614,086 alleles (0.00043%); highest among the groups gnomAD compares: South Asian, 0.0055%; no homozygotes.

Submission:

PreventionGenetics, part of Exact Sciences
Classification: Likely benign for ALDH18A1-related condition. Last evaluated: 2022-07-15. Review status: no assertion criteria provided. Collection method: clinical testing. Allele origin: germline.
Comment: This variant is classified as likely benign based on ACMG/AMP sequence variant interpretation guidelines (Richards et al. 2015 PMID: 25741868, with internal and published modifications).

NM_002860.4(ALDH18A1):c.1935T>C (p.His645=)

Gene: ALDH18A1 (aldehyde dehydrogenase 18 family member A1; minus strand). Cytogenetic location: 10q24.1.
Variant type: single nucleotide variant.
Coding change: c.1935T>C on transcript NM_002860.4 (MANE Select); coding-DNA position 1935, T replaced by C.
Protein change: p.His645=; no amino-acid change (histidine 645 retained).
Molecular consequence: synonymous variant.
Genome position (GRCh38, 1-based): chr10:95,611,431, A>G on the plus strand (T>C on the coding strand, the complement: ALDH18A1 is on the minus strand). VCF-style: chr10-95611431-A-G. GRCh37 (hg19) VCF-style: chr10-97371188-A-G.
Other names: c.1929T>C, p.His643= (NM_001017423.2, NM_001323415.2); c.1602T>C, p.His534= (NM_001323412.2, NM_001323416.2); c.1935T>C, p.His645= (NM_001323413.2, NM_001323414.2); c.1830T>C, p.His610= (NM_001323417.2); c.1596T>C, p.His532= (NM_001323418.2); c.1299T>C, p.His433= (NM_001323419.2).
Identifiers: ClinVar variation 3046087 (VCV003046087.2), dbSNP rs776999689, ClinGen allele CA5620182.
Genomic context (GRCh38, chr10:95,611,431, plus strand): 5'-TCGGAGTGACTTCACTTCGGAGGGGCTGAAGGTCAGATAGGAGGCAAATTTGGGGCCTGC[A>G]TGAATTTTTACCTGGAACAGAGGAAGTCCAGGGGCAACAACATAAAAACAACTGAAATAA-3'
Protein context (NP_002851.2, residues 635-655): DMLRVEQVKI[His645=]AGPKFASYLT